The following is an entry in ClinVar:

NM_020458.4(TTC7A):c.374T>C (p.Leu125Pro)

Gene: TTC7A (tetratricopeptide repeat domain 7A; plus strand). Cytogenetic location: 2p21.
Variant type: single nucleotide variant.
Coding change: c.374T>C on transcript NM_020458.4 (MANE Select); coding-DNA position 374, T replaced by C.
Protein change: p.Leu125Pro; replaces leucine 125 with proline.
Molecular consequence: missense variant. On other transcripts: 5 prime UTR variant (1).
Genome position (GRCh38, 1-based): chr2:46,956,864, T>C. VCF-style: chr2-46956864-T-C. GRCh37 (hg19) VCF-style: chr2-47184003-T-C.
Other names: c.374T>C, p.Leu125Pro (LRG_1323t1, NM_001288951.2); c.272T>C, p.Leu91Pro (NM_001288953.2); c.-531T>C (NM_001288955.2); short protein forms L91P, L125P.
Identifiers: ClinVar variation 579282 (VCV000579282.9), dbSNP rs367845612, ClinGen allele CA346718606.

ClinVar aggregate classification (germline): Uncertain significance (1 of 4 stars; one submission).

Conditions:
Multiple gastrointestinal atresias. Also called: Multiple intestinal atresia; FAMILIAL INTESTINAL POLYATRESIA SYNDROME. Identifiers: Orphanet 2300, MedGen C0220744, MONDO:0009465.

Allele frequency attached by ClinVar (database versions not stated): TOPMed 0.00001.
gnomAD v4.1: 9 of 1,614,122 alleles (0.00056%); highest among the groups gnomAD compares: Non-Finnish European, 0.00068%; no homozygotes.

Submission:

Labcorp Genetics (formerly Invitae), Labcorp
Classification: Uncertain significance for Multiple gastrointestinal atresias. Last evaluated: 2018-05-30. Review status: criteria provided, single submitter. Criteria: Invitae Variant Classification Sherloc (09022015). Collection method: clinical testing. Allele origin: germline.
Comment: This variant is not present in population databases (ExAC no frequency). This sequence change replaces leucine with proline at codon 125 of the TTC7A protein (p.Leu125Pro). The leucine residue is moderately conserved and there is a moderate physicochemical difference between leucine and proline. This variant has not been reported in the literature in individuals with TTC7A-related disease. Algorithms developed to predict the effect of missense changes on protein structure and function are either unavailable or do not agree on the potential impact of this missense change (SIFT: "Deleterious"; PolyPhen-2: "Probably Damaging"; Align-GVGD: "Class C0"). In summary, the available evidence is currently insufficient to determine the role of this variant in disease. Therefore, it has been classified as a Variant of Uncertain Significance.